The following is an entry in ClinVar:

ClinVar aggregate classification (germline): Pathogenic (1 of 4 stars; one submission).

Submission:

Labcorp Genetics (formerly Invitae), Labcorp
Classification: Pathogenic. Last evaluated: 2025-02-01. Review status: criteria provided, single submitter. Criteria: Invitae Variant Classification Sherloc (09022015). Collection method: clinical testing. Allele origin: germline.
Comment: This sequence change creates a premature translational stop signal (p.Thr613Cysfs*46) in the TMPRSS15 gene. It is expected to result in an absent or disrupted protein product. Loss-of-function variants in TMPRSS15 are known to be pathogenic (PMID: 11719902). This variant is present in population databases (rs764002040, gnomAD 0.005%). This variant has not been reported in the literature in individuals affected with TMPRSS15-related conditions. For these reasons, this variant has been classified as Pathogenic.

Literature cited by the submitters: PubMed 11719902.

NM_002772.3(TMPRSS15):c.1837_1840del (p.Thr613fs)

Gene: TMPRSS15 (transmembrane serine protease 15; minus strand). Cytogenetic location: 21q21.1.
Variant type: Deletion.
Coding change: c.1837_1840del on transcript NM_002772.3 (MANE Select); coding-DNA positions 1837 to 1840, 4 bases deleted (ACTG; older notation c.1837_1840delACTG).
Protein change: p.Thr613fs; shifts the reading frame from threonine 613.
Molecular consequence: frameshift variant.
Genome position (GRCh38, 1-based): chr21:18,326,513-18,326,516, CAGT deleted on the plus strand (ACTG on the coding strand, the reverse complement: TMPRSS15 is on the minus strand); deleting any 4 consecutive bases within chr21:18,326,513-18,326,518 gives the same sequence; the c. name uses the placement nearest the transcript's 3' end. VCF-style (leftmost placement, unchanged base first): chr21-18326512-ACAGT-A. GRCh37 (hg19) VCF-style: chr21-19698829-ACAGT-A.
Other names: c.1972_1975del, p.Thr658fs (NM_001428056.1); c.1837_1840del, p.Thr613fs (NM_001428057.1); short protein forms T613fs, T658fs.
Identifiers: ClinVar variation 4743705 (VCV004743705.1).
Genomic context (GRCh38, chr21:18,326,512, plus strand): 5'-CCAGTAGTAAAGTTTGCTTTAAACCCTCCTCTTGCCAACACATCGTTAGTGATGAGAAGC[ACAGT>A]CATTCTGTTGGTGGTAGAGAACACATCCTTTACTGGGCCAGGCCCTGTGTACACAGCTGT-3'